The following is an entry in ClinVar:

ClinVar aggregate classification (germline): Likely benign. Review status: criteria provided, multiple submitters, no conflicts (2 of 4 stars). 2 submissions from 2 submitters: Likely benign (2). Last evaluated 2025-10-01.

Conditions:
Oligodontia-cancer predisposition syndrome. Also called: TOOTH AGENESIS-COLORECTAL CANCER SYNDROME. Identifiers: Orphanet 300576, MedGen C1837750, MONDO:0012075, OMIM 608615. Disease mechanism: loss of function.

Allele frequency attached by ClinVar (database versions not stated): gnomAD exomes below 0.00001; gnomAD 0.00001 and 0.00002; TOPMed 0.00002.

Submissions (2):

Labcorp Genetics (formerly Invitae), Labcorp
Classification: Likely benign for Oligodontia-cancer predisposition syndrome. Last evaluated: 2025-10-01. Review status: criteria provided, single submitter. Criteria: Invitae Variant Classification Sherloc (09022015). Collection method: clinical testing. Allele origin: germline.

GeneDx
Classification: Likely benign. Last evaluated: 2016-11-11. Review status: criteria provided, single submitter. Criteria: GeneDx Variant Classification (06012015). Collection method: clinical testing. Allele origin: germline. Affected: yes.
Comment: This variant is considered likely benign or benign based on one or more of the following criteria: it is a conservative change, it occurs at a poorly conserved position in the protein, it is predicted to be benign by multiple in silico algorithms, and/or has population frequency not consistent with disease.

NM_004655.4(AXIN2):c.1712+14G>A

Gene: AXIN2 (axin 2; minus strand). Cytogenetic location: 17q24.1.
Variant type: single nucleotide variant.
Coding change: c.1712+14G>A on transcript NM_004655.4 (MANE Select); 14 bases into the intron after coding-DNA position 1712, G replaced by A.
Molecular consequence: intron variant.
Genome position (GRCh38, 1-based): chr17:65,537,310, C>T on the plus strand (G>A on the coding strand, the complement: AXIN2 is on the minus strand). VCF-style: chr17-65537310-C-T. GRCh37 (hg19) VCF-style: chr17-63533428-C-T.
Other names: c.1712+14G>A (LRG_296t1, NM_001363813.1).
Identifiers: ClinVar variation 391020 (VCV000391020.8), dbSNP rs996449118, ClinGen allele CA16607444.
Genomic context (GRCh38, chr17:65,537,310, plus strand): 5'-CACCTCACACCTGCCCATGGACCTGGCTGGGAGACAAGCCCCACACGGGACACTGCGGTC[C>T]GCCCGGCACTTACCCAAACTGCTCGCTGGGCATGGTTTCCGGAGCCTTGGAGTGGCTTTT-3'